The following continues an entry in ClinVar:

NM_007194.4(CHEK2):c.485A>G (p.Asp162Gly)

Gene: CHEK2. ClinVar aggregate classification (germline): Conflicting classifications of pathogenicity. Pathogenic (1); Likely pathogenic (4); Uncertain significance (7).

Submissions 9 to 12 of 12:

GeneDx
Classification: Likely pathogenic. Last evaluated: 2024-02-09. Review status: criteria provided, single submitter. Criteria: GeneDx Variant Classification Process June 2021. Collection method: clinical testing. Allele origin: germline. Affected: yes.
Comment: Observed in three brothers with prostate cancer, in a patient with ovarian cancer, and in unaffected controls (PMID: 30535581, 32546565, 34903604); Published functional studies demonstrate a damaging effect: reduced kinase activity in mammalian cell assays and impaired response to DNA damage in a yeast assay (PMID: 30851065, 34903604, 37449874); In silico analysis supports that this missense variant has a deleterious effect on protein structure/function; Not observed at significant frequency in large population cohorts (gnomAD); This variant is associated with the following publications: (PMID: 31398194, 31658756, 32546565, 30535581, 34903604, 22419737, 19782031, 37449874, 30851065)

Sema4
Classification: Uncertain significance for Hereditary cancer-predisposing syndrome. Last evaluated: 2021-12-30. Review status: criteria provided, single submitter. Criteria: Sema4 Curation Guidelines. Collection method: curation. Allele origin: germline.
Comment: The CHEK2 c.485A>G (p.D162G) variant has been reported in heterozygosity in one individual with ovarian cancer (PMID: 30535581) and 3 siblings with prostate cancer but tumor DNA analysis in two of them didn't show loss of heterozygosity (PMID: 34903604). In silico tools suggest the impact of the variant on protein function is deleterious. An in vivo, yeast-based growth rate assay study demonstrated deleterious function of the protein, variant showed a growth rate in response to DNA damage similar to the known pathogenic variant c.1100delC (PMID: 30851065). It was observed in 1/113702 chromosomes of the European (non-Finnish) subpopulation, in the large and broad cohorts of the Genome Aggregation Database (PMID: 32461654). This variant has been reported in ClinVar (Variation ID 141314). The evidence is insufficient to meet ACMG/AMP criteria for classifying the variant as benign or pathogenic. Thus, the clinical significance of this variant is currently uncertain.

Genetic Services Laboratory, University of Chicago
Classification: Uncertain significance. Last evaluated: 2020-10-20. Review status: criteria provided, single submitter. Criteria: ACMG Guidelines, 2015. Collection method: clinical testing. Allele origin: germline. Affected: no.
Comment: DNA sequence analysis of the CHEK2 gene demonstrated a sequence change, c.485A>G, in exon 4 that results in an amino acid change, p.Asp162Gly. This sequence change does not appear to have been previously described in patients with CHEK2-related disorders and has been described in the gnomAD database in one individual with a low overall population frequency of 0.0004% (dbSNP rs587781652). The p.Asp162Gly change affects a highly conserved amino acid residue located in a domain of the CHEK2 protein that is known to be functional. The p.Asp162Gly substitution appears to be deleterious using several in-silico pathogenicity prediction tools (SIFT, PolyPhen2, Align GVGD, REVEL). Due to the lack of functional studies, the clinical significance of the p.Asp162Gly change remains unknown at this time.

Mendelics
Classification: Uncertain significance for Familial cancer of breast. Last evaluated: 2018-07-02. Review status: criteria provided, single submitter. Criteria: Mendelics Assertion Criteria 2017. Collection method: clinical testing. Allele origin: unknown.

Literature cited by the submitters: PubMed 30535581 (cited by 5 submitters); PubMed 30851065 (cited by 6 submitters); PubMed 31398194 (cited by Ambry Genetics and Quest Diagnostics Nichols Institute San Juan Capistrano); PubMed 31658756 (cited by 3 submitters); PubMed 34903604 (cited by 7 submitters); PubMed 37449874 (cited by 5 submitters); PubMed 38153744 (cited by 3 submitters); PubMed 32546565 (cited by Quest Diagnostics Nichols Institute San Juan Capistrano); PubMed 39642869 (cited by Quest Diagnostics Nichols Institute San Juan Capistrano); PubMed 39146382 (cited by Quest Diagnostics Nichols Institute San Juan Capistrano).